The following is an entry in ClinVar:

NM_001987.5(ETV6):c.1152+6del

Genes: ETV6 (ETS variant transcription factor 6; plus strand), LOC126861452 (CDK7 strongly-dependent group 2 enhancer GRCh37_chr12:12037195-12038394; plus strand). Cytogenetic location: 12p13.2.
Variant type: Deletion.
Coding change: c.1152+6del on transcript NM_001987.5 (MANE Select); 6 bases into the intron after coding-DNA position 1152, one base deleted (A; older notation c.1152+6delA).
Molecular consequence: intron variant.
Genome position (GRCh38, 1-based): chr12:11,884,593, A deleted; the last of 4 consecutive A bases (chr12:11,884,590-11,884,593); deleting any one gives the same sequence. VCF-style (leftmost placement, unchanged base first): chr12-11884589-TA-T. GRCh37 (hg19) VCF-style: chr12-12037523-TA-T.
Identifiers: ClinVar variation 1699041 (VCV001699041.3), dbSNP rs2136596612, ClinGen allele CA2573131722.
Genomic context (GRCh38, chr12:11,884,589, plus strand): 5'-CCAAAATATTCCGGATAGTGGATCCCAACGGACTGGCTCGACTGTGGGGAAACCATAAGG[TA>T]AAAGGGCAGCAGATATCTGCTCCATAAACTAGTGCCAAAATGAAGTCCTTATCCCTGGAT-3'

ClinVar aggregate classification (germline): Uncertain significance (1 of 4 stars; one submission).

Conditions:
Thrombocytopenia 5 (THC5). Also called: THROMBOCYTOPENIA 5 WITH INCREASED SUSCEPTIBILITY TO MALIGNANCY; THROMBOCYTOPENIA, AUTOSOMAL DOMINANT, 5. Identifiers: MedGen C4015537, MONDO:0014536, OMIM 616216.

Submission:

Victorian Clinical Genetics Services, Murdoch Childrens Research Institute
Classification: Uncertain significance for Thrombocytopenia 5. Last evaluated: 2022-02-02. Review status: criteria provided, single submitter. Criteria: ACMG Guidelines, 2015. Collection method: clinical testing. Allele origin: germline. Inheritance: Autosomal dominant inheritance.
Comment: Based on the classification scheme VCGS_Germline_v1.3.4, this variant is classified as VUS-3C. Following criteria are met: 0104 - Dominant negative is a known mechanism of disease in this gene and is associated with thrombocytopenia (MIM#616216) (PMID: 25581430, 25807284). (I) 0107 - This gene is associated with autosomal dominant disease. (I) 0212 - Non-canonical splice site variant without proven consequence on splicing (no functional evidence available). (SP) 0251 - This variant is heterozygous. (I) 0301 - Variant is absent from gnomAD (both v2 and v3). (SP) 0506 - Abnormal splicing is not predicted and nucleotide is poorly conserved. (SB) 0705 - No comparable splice site variants have previous evidence for pathogenicity. (I) 0807 - This variant has no previous evidence of pathogenicity. (I) 0905 - No published segregation evidence has been identified for this variant. (I) 1007 - No published functional evidence has been identified for this variant. (I) 1208 - Inheritance information for this variant is not currently available in this individual. (I) Legend: (SP) - Supporting pathogenic, (I) - Information, (SB) - Supporting benign

Literature cited by the submitters: PubMed 25581430; PubMed 25807284.